The following is an entry in ClinVar:

ClinVar aggregate classification (germline): Benign/Likely benign. Review status: criteria provided, multiple submitters, no conflicts (2 of 4 stars). 13 submissions from 13 submitters: Benign (2); Likely benign (9). 2 of the submissions do not count toward it. Last evaluated 2026-01-28.

Conditions:
Hereditary cancer-predisposing syndrome. Also called: Tumor predisposition; Neoplastic Syndromes, Hereditary; Hereditary neoplastic syndrome; Hereditary Cancer Syndrome. Identifiers: Orphanet 140162, MedGen C0027672, MeSH D009386, MONDO:0015356.
Familial cancer of breast. Also called: BREAST CANCER, FAMILIAL; hereditary breast carcinoma; Hereditary breast cancer. Identifiers: Orphanet 227535, MedGen C0346153, MONDO:0016419, OMIM 114480. Disease mechanism: loss of function.
Ataxia-telangiectasia syndrome (AT). Also called: LOUIS-BAR SYNDROME; Ataxia-telangiectasia, complementation group D; AT, COMPLEMENTATION GROUP C; ATAXIA-TELANGIECTASIA, COMPLEMENTATION GROUP A; ATAXIA-TELANGIECTASIA, FRESNO VARIANT; Ataxia-telangiectasia. Identifiers: Orphanet 100, MedGen C0004135, MONDO:0008840, OMIM 208900.

Allele frequency attached by ClinVar (database versions not stated): gnomAD 0.00004; ExAC 0.00005; gnomAD exomes 0.00007 and 0.00008; TOPMed 0.00007.
gnomAD v4.1: 103 of 1,613,912 alleles (0.0064%); highest among the groups gnomAD compares: Admixed American, 0.035%; no homozygotes.

Submissions (13):

Labcorp Genetics (formerly Invitae), Labcorp
Classification: Likely benign for Ataxia-telangiectasia syndrome. Last evaluated: 2026-01-28. Review status: criteria provided, single submitter. Criteria: Invitae Variant Classification Sherloc (09022015). Collection method: clinical testing. Allele origin: germline.

Mayo Clinic Laboratories, Mayo Clinic
Classification: Likely benign. Last evaluated: 2025-03-05. Review status: criteria provided, single submitter. Criteria: ACMG Guidelines, 2015. Collection method: clinical testing. Allele origin: germline. Observed: 2 variant alleles.
Comment: BP4, BP7

Blueprint Genetics
Classification: Likely benign. Last evaluated: 2024-10-16. Review status: criteria provided, single submitter. Criteria: ACMG Guidelines, 2015. Collection method: clinical testing. Allele origin: germline.

Myriad Genetics, Inc.
Classification: Benign for Familial cancer of breast. Last evaluated: 2024-05-02. Review status: criteria provided, single submitter. Criteria: Myriad Autosomal Dominant, Autosomal Recessive and X-Linked Classification Criteria (2023). Collection method: clinical testing. Allele origin: unknown.
Comment: This variant is considered benign. This variant is a silent/synonymous amino acid change and it is not expected to impact splicing.

Sema4
Classification: Likely benign for Hereditary cancer-predisposing syndrome. Last evaluated: 2021-07-29. Review status: criteria provided, single submitter. Criteria: Sema4 Curation Guidelines. Collection method: curation. Allele origin: germline.

Women's Health and Genetics/Laboratory Corporation of America, LabCorp
Classification: Likely benign. Last evaluated: 2021-01-15. Review status: criteria provided, single submitter. Criteria: LabCorp Variant Classification Summary - May 2015. Collection method: clinical testing. Allele origin: germline.

Quest Diagnostics Nichols Institute San Juan Capistrano
Classification: Likely benign. Last evaluated: 2019-08-19. Review status: criteria provided, single submitter. Criteria: Quest Diagnostics criteria. Collection method: clinical testing. Allele origin: unknown.

PreventionGenetics, part of Exact Sciences
Classification: Likely benign. Last evaluated: 2017-01-30. Review status: criteria provided, single submitter. Criteria: ACMG Guidelines, 2015. Collection method: clinical testing. Allele origin: germline.

Color Diagnostics, LLC DBA Color Health
Classification: Likely benign for Hereditary cancer-predisposing syndrome. Last evaluated: 2016-06-06. Review status: criteria provided, single submitter. Criteria: ACMG Guidelines, 2015. Collection method: clinical testing. Allele origin: germline.

GeneDx
Classification: Benign. Last evaluated: 2014-09-23. Review status: criteria provided, single submitter. Criteria: GeneDx Variant Classification (06012015). Collection method: clinical testing. Allele origin: germline. Affected: yes.
Comment: This variant is considered likely benign or benign based on one or more of the following criteria: it is a conservative change, it occurs at a poorly conserved position in the protein, it is predicted to be benign by multiple in silico algorithms, and/or has population frequency not consistent with disease.

Ambry Genetics
Classification: Likely benign for Hereditary cancer-predisposing syndrome. Last evaluated: 2014-08-01. Review status: criteria provided, single submitter. Criteria: Ambry Variant Classification Scheme 2023. Collection method: clinical testing. Allele origin: germline.

Natera, Inc.
Classification: Likely benign for Ataxia-telangiectasia. Last evaluated: 2020-03-08. Review status: no assertion criteria provided. Collection method: clinical testing. Allele origin: germline. Not counted in ClinVar's aggregate classification.

Department of Pathology and Laboratory Medicine, Sinai Health System
Classification: Likely benign. Review status: no assertion criteria provided. Collection method: clinical testing. Allele origin: unknown. Affected: yes. Study: The Canadian Open Genetics Repository (COGR). Not counted in ClinVar's aggregate classification.
Comment: The ATM p.Leu651= variant was identified in 14 of 14208 proband chromosomes (frequency: 0.001) from Japanese individuals or families with breast cancer and was present in 43 of 47462 control chromosomes (frequency: 0.0009) from healthy individuals (Momozawa 2018). The variant was also identified in dbSNP (ID: rs730881283) â€šÃ„ÃºWith Uncertain significance alleleâ€šÃ„Ã¹, ClinVar (classified as benign by GeneDx; as likely benign by Ambry Genetics, Invitae, Color, and Prevention Genetics; and as uncertain significance by Integrated Genetics/Laboratory Corporation of America), and LOVD 3.0 (1x as benign). The variant was identified in control databases in 22 of 277048 chromosomes at a frequency of 0.00008 (Genome Aggregation Database Feb 27, 2017). The variant was observed in the following populations: African in 1 of 24030 chromosomes (freq: 0.00004), Other in 1 of 6460 chromosomes (freq: 0.0002), Latino in 14 of 34416 chromosomes (freq: 0.0004), European Non-Finnish in 5 of 126592 chromosomes (freq: 0.00004), and South Asian in 1 of 30778 chromosomes (freq: 0.00003), while not observed in the Ashkenazi Jewish, East Asian, or European Finnish populations. The p.Leu651= variant is not expected to have clinical significance because it does not result in a change of amino acid and is not located in a known consensus splice site. In addition, in silico or computational prediction software programs (SpliceSiteFinder, MaxEntScan, NNSPLICE, GeneSplicer) do not predict a difference in splicing. In summary, based on the above information, the clinical significance of this variant cannot be determined with certainty at this time although we would lean towards a more benign role for this variant. This variant is classified as likely benign.

Literature cited by the submitters: PubMed 28779002 (cited by Quest Diagnostics Nichols Institute San Juan Capistrano); PubMed 30287823 (cited by Quest Diagnostics Nichols Institute San Juan Capistrano).

NM_000051.4(ATM):c.1953A>G (p.Leu651=)

Gene: ATM (ATM serine/threonine kinase; plus strand). Cytogenetic location: 11q22.3.
Variant type: single nucleotide variant.
Coding change: c.1953A>G on transcript NM_000051.4 (MANE Select); coding-DNA position 1953, A replaced by G.
Protein change: p.Leu651=; no amino-acid change (leucine 651 retained).
Molecular consequence: synonymous variant.
Genome position (GRCh38, 1-based): chr11:108,253,868, A>G. VCF-style: chr11-108253868-A-G. GRCh37 (hg19) VCF-style: chr11-108124595-A-G.
Other names: p.L651L:CTA>CTG; p.Leu651=; c.1953A>G, p.Leu651= (NM_001351834.2).
Identifiers: ClinVar variation 181849 (VCV000181849.31), dbSNP rs730881283, ClinGen allele CA297986.